The following is an entry in ClinVar:

NM_002470.4(MYH3):c.4732G>C (p.Ala1578Pro)

Gene: MYH3 (myosin heavy chain 3; minus strand). Cytogenetic location: 17p13.1.
Variant type: single nucleotide variant.
Coding change: c.4732G>C on transcript NM_002470.4 (MANE Select); coding-DNA position 4732, G replaced by C.
Protein change: p.Ala1578Pro; replaces alanine 1578 with proline.
Molecular consequence: missense variant.
Genome position (GRCh38, 1-based): chr17:10,632,700, C>G on the plus strand (G>C on the coding strand, the complement: MYH3 is on the minus strand). VCF-style: chr17-10632700-C-G. GRCh37 (hg19) VCF-style: chr17-10536017-C-G.
Other names: short protein forms A1578P.
Identifiers: ClinVar variation 3634443 (VCV003634443.2).

ClinVar aggregate classification (germline): Uncertain significance (1 of 4 stars; one submission).

Submission:

Labcorp Genetics (formerly Invitae), Labcorp
Classification: Uncertain significance. Last evaluated: 2024-08-29. Review status: criteria provided, single submitter. Criteria: Invitae Variant Classification Sherloc (09022015). Collection method: clinical testing. Allele origin: germline.
Comment: This sequence change replaces alanine, which is neutral and non-polar, with proline, which is neutral and non-polar, at codon 1578 of the MYH3 protein (p.Ala1578Pro). This variant is not present in population databases (gnomAD no frequency). This variant has not been reported in the literature in individuals affected with MYH3-related conditions. Invitae Evidence Modeling of protein sequence and biophysical properties (such as structural, functional, and spatial information, amino acid conservation, physicochemical variation, residue mobility, and thermodynamic stability) indicates that this missense variant is not expected to disrupt MYH3 protein function with a negative predictive value of 95%. In summary, the available evidence is currently insufficient to determine the role of this variant in disease. Therefore, it has been classified as a Variant of Uncertain Significance.